The following is an entry in ClinVar:

NM_007294.4(BRCA1):c.301+1G>T

Gene: BRCA1 (BRCA1 DNA repair associated; minus strand). Cytogenetic location: 17q21.31.
Variant type: single nucleotide variant.
Coding change: c.301+1G>T on transcript NM_007294.4 (MANE Select); the canonical splice donor site of the intron after coding-DNA position 301, G replaced by T.
Molecular consequence: splice donor variant. On other transcripts: intron variant (5).
Genome position (GRCh38, 1-based): chr17:43,104,867, C>A on the plus strand (G>T on the coding strand, the complement: BRCA1 is on the minus strand). VCF-style: chr17-43104867-C-A. GRCh37 (hg19) VCF-style: chr17-41256884-C-A.
Other names: c.91+1G>T (NM_001407916.1, NM_001407895.1, NM_001407853.1 and 58 more transcripts); c.292+10G>T (NM_001407646.1, NM_001408408.1, NM_001407647.1); c.301+1G>T (NM_001408445.1, NM_001408432.1, NM_001407689.1 and 164 more transcripts); c.160+1G>T (NM_001407724.1, NM_001407697.1, NM_001407838.1 and 99 more transcripts); c.223+1G>T (NM_001408415.1, NM_001407874.1, NM_001408416.1 and 21 more transcripts); c.-81+1G>T (NM_001407965.1, NM_001407959.1, NM_001407962.1 and 4 more transcripts); c.-218-10007G>T (NM_001407967.1, NM_001407966.1); c.169+1G>T (NM_001408451.1).
Identifiers: ClinVar variation 246510 (VCV000246510.19), dbSNP rs587782173, ClinGen allele CA055557.

ClinVar aggregate classification (germline): Uncertain significance. Review status: reviewed by expert panel (3 of 4 stars). 7 submissions from 7 submitters: Uncertain significance (1). 6 of the submissions do not count toward it. Last evaluated 2026-11-19.

Conditions:
BRCA1-related cancer predisposition. Identifiers: MedGen CN377757, MONDO:0700268.
Hereditary cancer-predisposing syndrome. Also called: Hereditary Cancer Syndrome; Tumor predisposition; Neoplastic Syndromes, Hereditary; Hereditary neoplastic syndrome. Identifiers: Orphanet 140162, MedGen C0027672, MeSH D009386, MONDO:0015356.
Hereditary breast ovarian cancer syndrome. Also called: BRCA1- and BRCA2-Associated Hereditary Breast and Ovarian Cancer; Hereditary breast and ovarian cancer; Hereditary breast and ovarian cancer syndrome; Hereditary breast and ovarian cancer syndrome (HBOC); Hereditary breast and/or ovarian cancer syndrome; Breast and ovarian cancer. Identifiers: Orphanet 145, MedGen C0677776, MeSH D061325, MONDO:0003582. Disease mechanism: loss of function.

Allele frequency attached by ClinVar (database versions not stated): gnomAD 0.00001; TOPMed 0.00001.
gnomAD v4.1: 13 of 1,612,678 alleles (0.00081%); highest among the groups gnomAD compares: Non-Finnish European, 0.0011%; no homozygotes.

Submissions (8):

ClinGen ENIGMA BRCA1 and BRCA2 Variant Curation Expert Panel, ClinGen
Classification: Uncertain significance for BRCA1-related cancer predisposition. Last evaluated: 2026-11-19. Review status: reviewed by expert panel. Criteria: CSpec BRCA1/2ACMG Rules Specifications V1.2. Collection method: curation. Allele origin: germline. Inheritance: Autosomal dominant inheritance.
Comment: The c.301+1G>T variant is an intronic variant within the native donor 1,2 splice site occurring in intron 5(6) of the BRCA1 gene. Legacy exon numbering is shown in parentheses. The Total GrpMax filtering allele frequency (the lower threshold of the 95% CI) in gnomAD v4.1 is 0.00000615 in the Non-Finnish European genetic ancestry group (based on 13/1178926 alleles) which is below the ENIGMA BRCA1/2 VCEP threshold (>0.00002) for BS1_Supporting and does not meet any population code (BA1, BS1, BS1_Supporting, PM2_Supporting are not met). Intronic variant, functional data considered only from assays that measure effect via mRNA and protein. Reported by two calibrated studies with discordant results: shown by one calibrated study incorporating mRNA splicing effects to exhibit function similar to benign control variants (unpublished report, Dace and Findlay 2023). Variant also reported by another calibrated study incorporating mRNA splicing to exhibit a partial impact on protein function (intermediate homologous recombination activity at 40-45%) (Mesman et al., unpublished). Variant has also been reported to exhibit function similar to pathogenic control variants (PMID:30209399), however this result has been updated in the unpublished report by Dace and Findlay 2023 (see above) due to a technical issue (PS3 and BS3 not met). This variant is predicted to cause aberrant splicing by use of a cryptic splice site 9 nt upstream from 5' ss (code strength according to PVS1 decision tree, PVS1_Supporting met). Multifactorial likelihood ratio analysis using clinically calibrated data produced a combined LR for this variant of 11.9 (based on Case-Control LR=11.9), within the thresholds for moderate evidence towards pathogenicity (LR ≥4.3 & <18.7) (PP4_Moderate met; PMID: 40413188). In summary, this variant meets the criteria to be classified as a Variant of uncertain significance for BRCA1-related cancer predisposition based on the ACMG/AMP criteria applied as specified by the ENIGMA BRCA1/2 VCEP (PVS1_Supporting, PP4_Moderate).

Ambry Genetics
Classification: Uncertain significance for Hereditary cancer-predisposing syndrome. Last evaluated: 2025-11-17. Review status: criteria provided, single submitter. Criteria: Ambry Variant Classification Scheme 2023. Collection method: clinical testing. Allele origin: germline. Not counted in ClinVar's aggregate classification.
Comment: The c.301+1G>T intronic variant results from a G to T substitution one nucleotide after coding exon 4 of the BRCA1 gene. This nucleotide position is highly conserved in available vertebrate species. In silico splice site analysis predicts that this alteration will weaken the native splice donor site. Alterations at this donor site are known to produce an in-frame transcript impacting four amino acids in the BRCA1 RING domain (Ambry internal data). One functional study found that nucleotide substitutions at this donor site are non-functional in a high-throughput, genome editing, haploid cell survival assay (Findlay GM et al. Nature, 2018 10;562:217-222). Since supporting evidence is conflicting at this time, the clinical significance of this alteration remains unclear.

Color Diagnostics, LLC DBA Color Health
Classification: Uncertain significance for Hereditary cancer-predisposing syndrome. Last evaluated: 2025-10-03. Review status: criteria provided, single submitter. Criteria: ACMG Guidelines, 2015. Collection method: clinical testing. Allele origin: germline. Not counted in ClinVar's aggregate classification.
Comment: This variant changes a G to T nucleotide at the +1 position of the intron 5 splice donor site in the BRCA1 gene. Splice prediction tools indicate a significant disruption to the native splice donor site and the possible activation of a cryptic donor site, resulting in an in-frame deletion at the end of exon 5. The detection of in-frame deletion in the RNA of carriers of this variant has been reported (ClinVar accession: SCV000942262.4). An RNA study for a different variant at this splice donor site, c.301+6T>C, has shown a disruption at the native donor site that is rescued by the use of a cryptic donor site resulting in the in-frame deletion of 9 nucleotides from the end of exon 5 (PMID: 21769658). To our knowledge, this variant has not been reported in individuals affected with BRCA1-related disorders in the literature. This variant has been identified in 13/1612678 chromosomes in the general population by the Genome Aggregation Database (gnomAD v4). The available evidence is insufficient to determine the role of this variant in disease conclusively. Therefore, this variant is classified as a Variant of Uncertain Significance.

Labcorp Genetics (formerly Invitae), Labcorp
Classification: Uncertain significance for Hereditary breast ovarian cancer syndrome. Last evaluated: 2025-04-16. Review status: criteria provided, single submitter. Criteria: Invitae Variant Classification Sherloc (09022015). Collection method: clinical testing. Allele origin: germline. Not counted in ClinVar's aggregate classification.
Comment: This sequence change affects a donor splice site in intron 5 of the BRCA1 gene. RNA analysis indicates that disruption of this splice site induces altered splicing and likely results in the loss of 4 and insertion of 1 amino acid residue(s), but is expected to preserve the integrity of the reading-frame. This variant is present in population databases (rs587782173, gnomAD 0.0009%). This variant has not been reported in the literature in individuals affected with BRCA1-related conditions. ClinVar contains an entry for this variant (Variation ID: 246510). Algorithms developed to predict the effect of variants on gene product structure and function are not available or were not evaluated for this variant. Experimental studies have shown that disruption of this splice site affects BRCA1 function (PMID: 30209399). Studies have shown that disruption of this splice site results in the activation of a cryptic splice site in exon 5 (internal data). In summary, the available evidence is currently insufficient to determine the role of this variant in disease. Therefore, it has been classified as a Variant of Uncertain Significance.

Blueprint Genetics
Classification: Uncertain significance. Last evaluated: 2022-10-14. Review status: criteria provided, single submitter. Criteria: ACMG Guidelines, 2015. Collection method: clinical testing. Allele origin: germline. Not counted in ClinVar's aggregate classification.

Laboratory for Molecular Medicine, Mass General Brigham Personalized Medicine
Classification: Likely pathogenic for Hereditary breast ovarian cancer syndrome. Last evaluated: 2019-10-14. Review status: criteria provided, single submitter. Criteria: ACMG Guidelines, 2015. Collection method: clinical testing. Allele origin: germline. Not counted in ClinVar's aggregate classification.
Comment: The c.301+1G>T variant in BRCA1 has not been previously reported in individuals with hereditary breast and/or ovarian cancer (HBOC) but has been identified in 1/113556 European chromosomes by gnomAD; however, this frequency is low enough to be consistent with the frequency of hereditary breast and ovarian cancer (HBOC) in the general population. This variant has also been reported in ClinVar (Variation ID: 246510). This variant occurs within the canonical splice site (+/- 1,2) and is predicted to cause altered splicing leading to an abnormal or absent protein. In vitro functional studies support an impact on protein function (Findlay 2018). Loss of function of the BRCA1 gene is an established disease mechanism in autosomal dominant HBOC. In summary, although additional studies are required to fully establish its clinical significance, this variant meets criteria to be classified as likely pathogenic for autosomal dominant HBOC ACMG/AMP Criteria applied: PVS1, PM2

GeneDx
Classification: Likely pathogenic. Last evaluated: 2016-11-04. Review status: criteria provided, single submitter. Criteria: GeneDx Variant Classification (06012015). Collection method: clinical testing. Allele origin: germline. Affected: yes. Not counted in ClinVar's aggregate classification.
Comment: This variant is denoted BRCA1 c.301+1G>T or IVS5+1G>T and consists of a G>T nucleotide substitution at the +1 position of intron 5 of the BRCA1 gene. Using alternate nomenclature, this variant would be defined as BRCA1 420+1G>T. This variant destroys a canonical splice donor site and is predicted to cause abnormal gene splicing, leading to either an abnormal message that is subject to nonsense-mediated mRNA decay or to an abnormal protein product. This variant has not, to our knowledge, been published in the literature. Based on the currently available information, we consider BRCA1 c.301+1G>T to be a likely pathogenic variant.

Brotman Baty Institute, University of Washington
No classification provided (evidence only). Condition: Breast-ovarian cancer, familial 1. Review status: no classification provided. Collection method: in vitro. Allele origin: not applicable. Functional consequence: functionally_abnormal. Not counted in ClinVar's aggregate classification.
ClinVar note: "not provided" was previously submitted as the classification for the variant. However, the classification appeared to be based only on an observation of functional data so it was converted to no classification on 2025-07-30.

Literature cited by the submitters: PubMed 30209399 (cited by 3 submitters); PubMed 21769658 (cited by Color Diagnostics, LLC DBA Color Health).